The following is an entry in ClinVar:

NM_001126108.2(SLC12A3):c.2419+16T>G

Gene: SLC12A3 (solute carrier family 12 member 3; plus strand). Cytogenetic location: 16q13.
Variant type: single nucleotide variant.
Coding change: c.2419+16T>G on transcript NM_001126108.2 (MANE Select); 16 bases into the intron after coding-DNA position 2419, T replaced by G.
Molecular consequence: intron variant. On other transcripts: missense variant (2).
Genome position (GRCh38, 1-based): chr16:56,892,149, T>G. VCF-style: chr16-56892149-T-G. GRCh37 (hg19) VCF-style: chr16-56926061-T-G.
Other names: c.2435T>G, p.Val812Gly (NM_000339.3); c.2432T>G, p.Val811Gly (NM_001126107.2); short protein forms V811G, V812G.
Identifiers: ClinVar variation 1438644 (VCV001438644.4), dbSNP rs988766063, ClinGen allele CA395995757.
Genomic context (GRCh38, chr16:56,892,149, plus strand): 5'-CCGTGTTTGACCCAGCGGAGGACGGGAAGGAAGCCAGCGCCAGAGGTGCCAGGCCATCAG[T>G]CTCTGGCGCTTGTCAGTGTTCCCACTCAGAGCTCAGGGCACTCTAGCCCTGTGGGGTGGC-3'

ClinVar aggregate classification (germline): Uncertain significance (1 of 4 stars; one submission).

Allele frequency attached by ClinVar (database versions not stated): gnomAD exomes 0.00001 and 0.00004; TOPMed 0.00001; gnomAD 0.00002.
gnomAD v4.1: 15 of 1,612,568 alleles (0.00093%); highest among the groups gnomAD compares: Admixed American, 0.023%; no homozygotes.

Submission:

Labcorp Genetics (formerly Invitae), Labcorp
Classification: Uncertain significance. Last evaluated: 2025-07-02. Review status: criteria provided, single submitter. Criteria: Invitae Variant Classification Sherloc (09022015). Collection method: clinical testing. Allele origin: germline.
Comment: This sequence change replaces valine, which is neutral and non-polar, with glycine, which is neutral and non-polar, at codon 812 of the SLC12A3 protein (p.Val812Gly). This variant is present in population databases (no rsID available, gnomAD 0.03%). This variant has not been reported in the literature in individuals affected with SLC12A3-related conditions. ClinVar contains an entry for this variant (Variation ID: 1438644). Invitae Evidence Modeling of protein sequence and biophysical properties (such as structural, functional, and spatial information, amino acid conservation, physicochemical variation, residue mobility, and thermodynamic stability) has been performed for this missense variant. However, the output from this modeling did not meet the statistical confidence thresholds required to predict the impact of this variant on SLC12A3 protein function. In summary, the available evidence is currently insufficient to determine the role of this variant in disease. Therefore, it has been classified as a Variant of Uncertain Significance.